The following is an entry in ClinVar:

NM_002474.3(MYH11):c.2781G>A (p.Met927Ile)

Gene: MYH11 (myosin heavy chain 11; minus strand). Cytogenetic location: 16p13.11.
Variant type: single nucleotide variant.
Coding change: c.2781G>A on transcript NM_002474.3 (MANE Select); coding-DNA position 2781, G replaced by A.
Protein change: p.Met927Ile; replaces methionine 927 with isoleucine.
Molecular consequence: missense variant.
Genome position (GRCh38, 1-based): chr16:15,741,541, C>T on the plus strand (G>A on the coding strand, the complement: MYH11 is on the minus strand). VCF-style: chr16-15741541-C-T. GRCh37 (hg19) VCF-style: chr16-15835398-C-T.
Other names: c.2802G>A, p.Met934Ile (NM_001040113.2, NM_001040114.2); c.2781G>A, p.Met927Ile (NM_022844.3); short protein forms M927I, M934I.
Identifiers: ClinVar variation 2429555 (VCV002429555.2), dbSNP rs2506205229, ClinGen allele CA394865120.
Genomic context (GRCh38, chr16:15,741,541, plus strand): 5'-CTTCTTCCTTTCAGCCTGTAGCTGCTGGCCCCTGTCTTCCTCCTCCTCCAGGCGGGCCTC[C>T]ATCTCATGCAGTATCTCCTCCAGCTCCTGCTTCTTGGCCGCCAGCCGCACCCGCATCTCC-3'
Protein context (NP_002465.1, residues 917-937): KQELEEILHE[Met927Ile]EARLEEEEDR

ClinVar aggregate classification (germline): Uncertain significance (1 of 4 stars; one submission).

Submission:

GeneDx
Classification: Uncertain significance. Last evaluated: 2023-10-13. Review status: criteria provided, single submitter. Criteria: GeneDx Variant Classification Process June 2021. Collection method: clinical testing. Allele origin: germline. Affected: yes.
Comment: Has not been previously published as pathogenic or benign to our knowledge; Not observed at significant frequency in large population cohorts (gnomAD); In silico analysis supports that this missense variant does not alter protein structure/function